The following is an entry in ClinVar:

ClinVar aggregate classification (germline): Uncertain significance. Review status: criteria provided, multiple submitters, no conflicts (2 of 4 stars). 2 submissions from 2 submitters: Uncertain significance (2). Last evaluated 2025-02-25.

Conditions:
Inborn genetic diseases. Identifiers: MedGen C0950123, MeSH D030342.

Allele frequency attached by ClinVar (database versions not stated): TOPMed 0.00001.
gnomAD v4.1: 2 of 1,583,314 alleles (0.00013%); highest among the groups gnomAD compares: Admixed American, 0.002%; no homozygotes.

Submissions (2):

Ambry Genetics
Classification: Uncertain significance for Inborn genetic diseases. Last evaluated: 2025-02-25. Review status: criteria provided, single submitter. Criteria: Ambry Variant Classification Scheme 2023. Collection method: clinical testing. Allele origin: germline.

GeneDx
Classification: Uncertain significance. Last evaluated: 2023-05-04. Review status: criteria provided, single submitter. Criteria: GeneDx Variant Classification Process June 2021. Collection method: clinical testing. Allele origin: germline. Affected: yes.
Comment: Not observed at significant frequency in large population cohorts (gnomAD); In silico analysis supports that this missense variant has a deleterious effect on protein structure/function; Has not been previously published as pathogenic or benign to our knowledge

NM_013436.5(NCKAP1):c.804G>C (p.Leu268Phe)

Gene: NCKAP1 (NCK associated protein 1; minus strand). Cytogenetic location: 2q32.1.
Variant type: single nucleotide variant.
Coding change: c.804G>C on transcript NM_013436.5 (MANE Select); coding-DNA position 804, G replaced by C.
Protein change: p.Leu268Phe; replaces leucine 268 with phenylalanine.
Molecular consequence: missense variant.
Genome position (GRCh38, 1-based): chr2:182,989,173, C>G on the plus strand (G>C on the coding strand, the complement: NCKAP1 is on the minus strand). VCF-style: chr2-182989173-C-G. GRCh37 (hg19) VCF-style: chr2-183853901-C-G.
Other names: c.822G>C, p.Leu274Phe (NM_205842.3); c.822G>C (NM_205842.1); short protein forms L268F, L274F.
Identifiers: ClinVar variation 2663326 (VCV002663326.2), dbSNP rs1397377162, ClinGen allele CA349753273.
Genomic context (GRCh38, chr2:182,989,173, plus strand): 5'-TTGAAGAGCTAGTTTCCAAAGGTTCAGTGCTGTAGCGTCAGTATTTAGGATCCCATGGCA[C>G]AAAATAAAGCCAACTTTAAATAAAAAGAAAGCAAATACAAATGTAAATGTACAAGTATTC-3'
Protein context (NP_038464.1, residues 258-278): MEKWIIFGFI[Leu268Phe]CHGILNTDAT